The following is an entry in ClinVar:

NM_019098.5(CNGB3):c.260A>G (p.Asp87Gly)

Gene: CNGB3 (cyclic nucleotide gated channel subunit beta 3; minus strand). Cytogenetic location: 8q21.3.
Variant type: single nucleotide variant.
Coding change: c.260A>G on transcript NM_019098.5 (MANE Select); coding-DNA position 260, A replaced by G.
Protein change: p.Asp87Gly; replaces aspartic acid 87 with glycine.
Molecular consequence: missense variant.
Genome position (GRCh38, 1-based): chr8:86,726,609, T>C on the plus strand (A>G on the coding strand, the complement: CNGB3 is on the minus strand). VCF-style: chr8-86726609-T-C. GRCh37 (hg19) VCF-style: chr8-87738837-T-C.
Other names: short protein forms D87G.
Identifiers: ClinVar variation 850169 (VCV000850169.9), dbSNP rs1165080500, ClinGen allele CA371455943.

ClinVar aggregate classification (germline): Uncertain significance. Review status: criteria provided, multiple submitters, no conflicts (2 of 4 stars). 3 submissions from 3 submitters: Uncertain significance (2). 1 of the submissions does not count toward it. Last evaluated 2025-04-28.

Conditions:
Inborn genetic diseases. Identifiers: MedGen C0950123, MeSH D030342.
Achromatopsia. Also called: Rod monochromatism. Identifiers: Orphanet 49382, MedGen C0152200, MONDO:0018852, HP:0011516.

Allele frequency attached by ClinVar (database versions not stated): gnomAD exomes below 0.00001; gnomAD 0.00001; TOPMed 0.00003.
gnomAD v4.1: 2 of 1,613,726 alleles (0.00012%); highest among the groups gnomAD compares: African/African-American, 0.0027%; no homozygotes.

Submissions (3):

Labcorp Genetics (formerly Invitae), Labcorp
Classification: Uncertain significance. Last evaluated: 2025-04-28. Review status: criteria provided, single submitter. Criteria: Invitae Variant Classification Sherloc (09022015). Collection method: clinical testing. Allele origin: germline.
Comment: This sequence change replaces aspartic acid, which is acidic and polar, with glycine, which is neutral and non-polar, at codon 87 of the CNGB3 protein (p.Asp87Gly). This variant is present in population databases (no rsID available, gnomAD 0.007%). This variant has not been reported in the literature in individuals affected with CNGB3-related conditions. ClinVar contains an entry for this variant (Variation ID: 850169). Invitae Evidence Modeling of protein sequence and biophysical properties (such as structural, functional, and spatial information, amino acid conservation, physicochemical variation, residue mobility, and thermodynamic stability) indicates that this missense variant is not expected to disrupt CNGB3 protein function with a negative predictive value of 95%. In summary, the available evidence is currently insufficient to determine the role of this variant in disease. Therefore, it has been classified as a Variant of Uncertain Significance.

Ambry Genetics
Classification: Uncertain significance for Inborn genetic diseases. Last evaluated: 2022-06-27. Review status: criteria provided, single submitter. Criteria: Ambry Variant Classification Scheme 2023. Collection method: clinical testing. Allele origin: germline.

Natera, Inc.
Classification: Uncertain significance for Achromatopsia. Last evaluated: 2021-09-22. Review status: no assertion criteria provided. Collection method: clinical testing. Allele origin: germline. Not counted in ClinVar's aggregate classification.